The following is an entry in ClinVar:

NM_020549.5(CHAT):c.6del (p.Gly2_Leu3insTer)

Gene: CHAT (choline O-acetyltransferase; plus strand). Cytogenetic location: 10q11.23.
Variant type: Deletion.
Coding change: c.6del on transcript NM_020549.5 (MANE Select); coding-DNA position 6, one base deleted (G; older notation c.6delG).
Protein change: p.Gly2_Leu3insTer.
Molecular consequence: frameshift variant, initiator codon variant. On other transcripts: 5 prime UTR variant (3), intron variant (3).
Genome position (GRCh38, 1-based): chr10:49,614,195, G deleted; the last of 4 consecutive G bases (chr10:49,614,192-49,614,195); deleting any one gives the same sequence. VCF-style (leftmost placement, unchanged base first): chr10-49614191-TG-T. GRCh37 (hg19) VCF-style: chr10-50822237-TG-T.
Other names: c.-349del (NM_001142929.2); c.-311del (NM_001142933.2); c.-419del (NM_001142934.2); c.-68-2307del (NM_020984.4); c.-240-109del (NM_020985.4); c.-69+993del (NM_020986.4).
Identifiers: ClinVar variation 1331451 (VCV001331451.3), dbSNP rs1838384543, ClinGen allele CA928195045.

ClinVar aggregate classification (germline): Uncertain significance. Review status: criteria provided, multiple submitters, no conflicts (2 of 4 stars). 2 submissions from 2 submitters: Uncertain significance (2). Last evaluated 2023-09-18.

Conditions:
Familial infantile myasthenia (CMS6). Also called: MYASTHENIC SYNDROME, PRESYNAPTIC, CONGENITAL, ASSOCIATED WITH EPISODIC APNEA; MYASTHENIC SYNDROME, CONGENITAL, 6, PRESYNAPTIC; Congenital myasthenic syndrome type 6. Identifiers: Orphanet 590, MedGen C0393929, MONDO:0009689, OMIM 254210.

Submissions (2):

Women's Health and Genetics/Laboratory Corporation of America, LabCorp
Classification: Uncertain significance. Last evaluated: 2023-09-18. Review status: criteria provided, single submitter. Criteria: LabCorp Variant Classification Summary - May 2015. Collection method: clinical testing. Allele origin: germline.
Comment: Variant summary: CHAT c.6delG (p.Leu3X) located in the coding exon 1 of the longest CHAT gene transcript, results in a premature termination codon, predicted to cause a truncation of the encoded protein or absence of the protein due to nonsense mediated decay, which are commonly known mechanisms for disease. However, this exon is not expressed in multiple alternate CHAT transcripts to include NM_020986, where it is annotated as CHAT NM_020986.3:c.-69+993del in the non-coding 5'UTR region of the CHAT gene. The variant was absent in 142956 control chromosomes (gnomAD). To our knowledge, no occurrence of c.6delG or other loss of function variants in exon 1 (c.1 to c.286), in individuals affected with Congenital Myasthenic Syndrome and no experimental evidence demonstrating its impact on protein function have been reported. No submitters have cited clinical-significance assessments for this variant to ClinVar after 2014. Based on the evidence outlined above, the variant was classified as uncertain significance.

Baylor Genetics
Classification: Uncertain significance for Familial infantile myasthenia. Last evaluated: 2023-07-18. Review status: criteria provided, single submitter. Criteria: ACMG Guidelines, 2015. Collection method: clinical testing. Allele origin: unknown.